The following is an entry in ClinVar:

ClinVar aggregate classification (germline): Benign (3 of 4 stars; one submission).

Conditions:
Breast-ovarian cancer, familial, susceptibility to, 2 (BROVCA2). Also called: BRCA2 Hereditary Breast and Ovarian Cancer. Identifiers: Orphanet 145, MedGen C2675520, MONDO:0012933, OMIM 612555. Disease mechanism: loss of function.

Allele frequency attached by ClinVar (database versions not stated): 1000 Genomes Project 0.00879; 1000 Genomes Project 30x 0.00968; gnomAD 0.01101 and 0.01190; TOPMed 0.01292.
gnomAD v4.1: 1,651 of 152,292 alleles (1.1%); highest among the groups gnomAD compares: African/African-American, 3.8%; 33 homozygotes.

Submission:

Evidence-based Network for the Interpretation of Germline Mutant Alleles (ENIGMA)
Classification: Benign for Breast-ovarian cancer, familial 2. Last evaluated: 2015-01-12. Review status: reviewed by expert panel. Criteria: ENIGMA BRCA1/2 Classification Criteria (2015). Collection method: curation. Allele origin: germline.
Comment: Class 1 not pathogenic based on frequency >1% in an outbred sampleset. Frequency 0.03049 (African), derived from 1000 genomes (2012-04-30).

NM_000059.4(BRCA2):c.67+1266C>T

Gene: BRCA2 (BRCA2 DNA repair associated; plus strand). Cytogenetic location: 13q13.1.
Variant type: single nucleotide variant.
Coding change: c.67+1266C>T on transcript NM_000059.4 (MANE Select); 1266 bases into the intron after coding-DNA position 67, C replaced by T.
Molecular consequence: intron variant.
Genome position (GRCh38, 1-based): chr13:32,317,793, C>T. VCF-style: chr13-32317793-C-T. GRCh37 (hg19) VCF-style: chr13-32891930-C-T.
Other names: IVS 2+1266C>T.
Identifiers: ClinVar variation 209611 (VCV000209611.1), dbSNP rs11571580, ClinGen allele CA276580.
Genomic context (GRCh38, chr13:32,317,793, plus strand): 5'-ATTTGAAAGTTCACATTTTGTCATTGACAACAAACTGTTTTCCTTGCAGCAACAAGATCA[C>T]TTCATTGATTTGTGAGAAAATGTCTACCAAATTATTTAAGTTGAAATAACTTTGTCAGCT-3'